The following is an entry in ClinVar:

ClinVar aggregate classification (germline): Uncertain significance. Review status: criteria provided, multiple submitters, no conflicts (2 of 4 stars). 4 submissions from 4 submitters: Uncertain significance (4). Last evaluated 2024-01-17.

Conditions:
Inborn genetic diseases. Identifiers: MedGen C0950123, MeSH D030342.
Amyotrophic lateral sclerosis type 1 (ALS1). Also called: AMYOTROPHIC LATERAL SCLEROSIS 1, FAMILIAL. Identifiers: Orphanet 803, MedGen C1862939, MONDO:0007103, OMIM 105400.
Perry syndrome. Also called: PARKINSONISM WITH ALVEOLAR HYPOVENTILATION AND MENTAL DEPRESSION. Identifiers: Orphanet 178509, MedGen C1868594, MONDO:0008201, OMIM 168605.
Neuronopathy, distal hereditary motor, type 7B. Also called: NEURONOPATHY, DISTAL HEREDITARY MOTOR, AUTOSOMAL DOMINANT 14; NEURONOPATHY, DISTAL HEREDITARY MOTOR, HARDING TYPE VIIB; NEUROPATHY, DISTAL HEREDITARY MOTOR, HARDING TYPE VIIB; NEUROPATHY, DISTAL HEREDITARY MOTOR, WITH VOCAL CORD PARALYSIS, HARDING TYPE VIIB; HMN VIIB; LOWER MOTOR NEURON DISEASE, DYNACTIN TYPE. Identifiers: Orphanet 139589, MedGen C1843315, MONDO:0011879, OMIM 607641.

Allele frequency attached by ClinVar (database versions not stated): gnomAD 0.00001; TOPMed 0.00001; gnomAD exomes 0.00003; ExAC 0.00004.
gnomAD v4.1: 24 of 1,614,110 alleles (0.0015%); highest among the groups gnomAD compares: Middle Eastern, 0.016%; no homozygotes.

Submissions (4):

Labcorp Genetics (formerly Invitae), Labcorp
Classification: Uncertain significance for Amyotrophic lateral sclerosis type 1; Neuronopathy, distal hereditary motor, type 7B; Perry syndrome. Last evaluated: 2024-01-17. Review status: criteria provided, single submitter. Criteria: Invitae Variant Classification Sherloc (09022015). Collection method: clinical testing. Allele origin: germline.
Comment: This sequence change replaces aspartic acid, which is acidic and polar, with glycine, which is neutral and non-polar, at codon 786 of the DCTN1 protein (p.Asp786Gly). This variant is present in population databases (rs752889408, gnomAD 0.006%). This variant has not been reported in the literature in individuals affected with DCTN1-related conditions. ClinVar contains an entry for this variant (Variation ID: 493281). Advanced modeling of protein sequence and biophysical properties (such as structural, functional, and spatial information, amino acid conservation, physicochemical variation, residue mobility, and thermodynamic stability) performed at Invitae indicates that this missense variant is expected to disrupt DCTN1 protein function with a positive predictive value of 80%. In summary, the available evidence is currently insufficient to determine the role of this variant in disease. Therefore, it has been classified as a Variant of Uncertain Significance.

Ambry Genetics
Classification: Uncertain significance for Inborn genetic diseases. Last evaluated: 2022-10-03. Review status: criteria provided, single submitter. Criteria: Ambry Variant Classification Scheme 2023. Collection method: clinical testing. Allele origin: germline.

CeGaT Center for Human Genetics Tuebingen
Classification: Uncertain significance. Last evaluated: 2017-07-01. Review status: criteria provided, single submitter. Criteria: CeGaT Center For Human Genetics Tuebingen Variant Classification Criteria Version 2. Collection method: clinical testing. Allele origin: germline. Affected: yes. Observed: 1 variant allele.

Breakthrough Genomics
Classification: Uncertain significance. Review status: criteria provided, single submitter. Criteria: ACMG Guidelines, 2015. Collection method: not provided. Allele origin: germline. Inheritance: Autosomal recessive inheritance. Affected: yes.

NM_004082.5(DCTN1):c.2357A>G (p.Asp786Gly)

Gene: DCTN1 (dynactin subunit 1; minus strand). Cytogenetic location: 2p13.1.
Variant type: single nucleotide variant.
Coding change: c.2357A>G on transcript NM_004082.5 (MANE Select); coding-DNA position 2357, A replaced by G.
Protein change: p.Asp786Gly; replaces aspartic acid 786 with glycine.
Molecular consequence: missense variant. On other transcripts: non-coding transcript variant (1).
Genome position (GRCh38, 1-based): chr2:74,366,892, T>C on the plus strand (A>G on the coding strand, the complement: DCTN1 is on the minus strand). VCF-style: chr2-74366892-T-C. GRCh37 (hg19) VCF-style: chr2-74594019-T-C.
Other names: c.2297A>G, p.Asp766Gly (NM_001135040.3); c.1955A>G, p.Asp652Gly (NM_001135041.3, NM_023019.4); c.2246A>G, p.Asp749Gly (NM_001190836.2); c.2336A>G, p.Asp779Gly (NM_001190837.2); c.2306A>G, p.Asp769Gly (NM_001378991.1); c.2288A>G, p.Asp763Gly (NM_001378992.1); short protein forms D652G, D749G, D786G, D766G, D779G, D763G, D769G.
Identifiers: ClinVar variation 493281 (VCV000493281.52), dbSNP rs752889408, ClinGen allele CA1721864.